The following is an entry in ClinVar:

ClinVar aggregate classification (germline): Benign. Review status: reviewed by expert panel (3 of 4 stars). 14 submissions from 12 submitters: Benign (1). 13 of the submissions do not count toward it. Last evaluated 2025-11-19.

Conditions:
CYP1B1-related glaucoma with or without anterior segment dysgenesis. Identifiers: MedGen CN375931, MONDO:0800472.
Congenital glaucoma. Identifiers: MedGen C0020302, MONDO:0020366.
Anterior segment dysgenesis 6 (ASGD6). Also called: Anterior segment dysgenesis 6, multiple subtypes. Identifiers: MedGen C4310623, MONDO:0015016, OMIM 617315.
Irido-corneo-trabecular dysgenesis (ASGD5). Also called: ANTERIOR SEGMENT DYSGENESIS 5. Identifiers: Orphanet 708, MedGen C0344559, MONDO:0011414, OMIM 604229, HP:0000659.
Glaucoma 3A. Also called: Glaucoma 3, primary congenital, A. Identifiers: Orphanet 98976, Orphanet 98977, MedGen C1856439, MONDO:0009277, OMIM 231300.

Allele frequency attached by ClinVar (database versions not stated): ESP Exome Variant Server 0.45371; gnomAD 0.49486 and 0.51264; TOPMed 0.50418; gnomAD exomes 0.58335 and 0.63406; 1000 Genomes Project 30x 0.60134; 1000 Genomes Project 0.62021; ExAC 0.62204.

Submissions (14):

ClinGen Glaucoma Variant Curation Expert Panel
Classification: Benign for CYP1B1-related glaucoma with or without anterior segment dysgenesis. Last evaluated: 2025-11-19. Review status: reviewed by expert panel. Criteria: ClinGen CYP1B1 ACMG Specifications V1 Approved. Collection method: curation. Allele origin: germline. Inheritance: Autosomal recessive inheritance.
Comment: The c.1347T>C variant in CYP1B1 is a synonymous variant (p.Asp449=). The highest minor allele frequency of this variant was in the East Asian genetic ancestry group of gnomAD (v4.1.0) = 0.8767, which met the ≥ 0.05 threshold set for BA1 (39,343 alleles out of 44,878, meeting the threshold of ≥ 5 of at least 2,000 observed alleles). The SpliceAI score = 0, which met the ≤ 0.1 threshold for BP4, suggesting that the variant does not impact CYP1B1 function. This synonymous variant is located outside of the first and the last 3 bases of the exon and BP4 is met, so BP7 is met. There was no functional evidence predicting a damaging or benign impact of this variant on CYP1B1 function. In summary, this variant was classified as benign (BA1 is a stand-alone criterion for a benign level of pathogenicity) for CYP1B1- related glaucoma with or without anterior segment dysgenesis (ASD) based on the ACMG/AMP criteria met, as specified by the ClinGen Glaucoma VCEP (v1.0, 06.11.2025): BA1, BP4, BP7.

Women's Health and Genetics/Laboratory Corporation of America, LabCorp
Classification: Benign. Last evaluated: 2026-06-08. Review status: criteria provided, single submitter. Criteria: LabCorp Variant Classification Summary - May 2015. Collection method: clinical testing. Allele origin: germline. Not counted in ClinVar's aggregate classification.

Labcorp Genetics (formerly Invitae), Labcorp
Classification: Benign for Congenital glaucoma. Last evaluated: 2026-02-04. Review status: criteria provided, single submitter. Criteria: Invitae Variant Classification Sherloc (09022015). Collection method: clinical testing. Allele origin: germline. Not counted in ClinVar's aggregate classification.

Blueprint Genetics
Classification: Benign. Last evaluated: 2024-11-26. Review status: criteria provided, single submitter. Criteria: ACMG Guidelines, 2015. Collection method: clinical testing. Allele origin: germline. Not counted in ClinVar's aggregate classification.

Genome-Nilou Lab
Classification: Benign for Anterior segment dysgenesis 6. Last evaluated: 2021-07-30. Review status: criteria provided, single submitter. Criteria: ACMG Guidelines, 2015. Collection method: clinical testing. Allele origin: germline. Affected: no. Not counted in ClinVar's aggregate classification.

Genome-Nilou Lab
Classification: Benign for Glaucoma 3A. Last evaluated: 2021-07-30. Review status: criteria provided, single submitter. Criteria: ACMG Guidelines, 2015. Collection method: clinical testing. Allele origin: germline. Affected: no. Not counted in ClinVar's aggregate classification.

Illumina Laboratory Services, Illumina
Classification: Benign for Glaucoma 3A. Last evaluated: 2018-01-13. Review status: criteria provided, single submitter. Criteria: ICSL Variant Classification Criteria 13 December 2019. Collection method: clinical testing. Allele origin: germline. Not counted in ClinVar's aggregate classification.
Comment: This variant was observed in the ICSL laboratory as part of a predisposition screen in an ostensibly healthy population. It had not been previously curated by ICSL or reported in the Human Gene Mutation Database (HGMD: prior to June 1st, 2018), and was therefore a candidate for classification through an automated scoring system. Utilizing variant allele frequency, disease prevalence and penetrance estimates, and inheritance mode, an automated score was calculated to assess if this variant is too frequent to cause the disease. Based on the score and internal cut-off values, a variant classified as benign is not then subjected to further curation. The score for this variant resulted in a classification of benign for this disease.

Illumina Laboratory Services, Illumina
Classification: Benign for Irido-corneo-trabecular dysgenesis. Last evaluated: 2018-01-13. Review status: criteria provided, single submitter. Criteria: ICSL Variant Classification Criteria 13 December 2019. Collection method: clinical testing. Allele origin: germline. Not counted in ClinVar's aggregate classification.
Comment: the same text as in the submission from Illumina Laboratory Services, Illumina above.

GeneDx
Classification: Benign. Last evaluated: 2015-03-03. Review status: criteria provided, single submitter. Criteria: GeneDx Variant Classification Process June 2021. Collection method: clinical testing. Allele origin: germline. Affected: yes. Not counted in ClinVar's aggregate classification.

Eurofins Ntd Llc (ga)
Classification: Benign. Last evaluated: 2013-11-05. Review status: criteria provided, single submitter. Criteria: EGL Classification Definitions 2015. Collection method: clinical testing. Allele origin: germline. Observed: 5 variant alleles, 4 heterozygotes, 1 homozygote. Not counted in ClinVar's aggregate classification.

Breakthrough Genomics
Classification: Benign. Review status: criteria provided, single submitter. Criteria: ACMG Guidelines, 2015. Collection method: not provided. Allele origin: germline. Inheritance: Autosomal recessive inheritance. Affected: yes. Not counted in ClinVar's aggregate classification.

PreventionGenetics, part of Exact Sciences
Classification: Benign. Review status: criteria provided, single submitter. Criteria: ACMG Guidelines, 2015. Collection method: clinical testing. Allele origin: germline. Not counted in ClinVar's aggregate classification.

Diagnostic Laboratory, Department of Genetics, University Medical Center Groningen
Classification: Benign. Review status: no assertion criteria provided. Collection method: clinical testing. Allele origin: germline. Affected: yes. Study: VKGL Data-share Consensus. Not counted in ClinVar's aggregate classification.

Joint Genome Diagnostic Labs from Nijmegen and Maastricht, Radboudumc and MUMC+
Classification: Benign. Review status: no assertion criteria provided. Collection method: clinical testing. Allele origin: germline. Affected: yes. Study: VKGL Data-share Consensus. Not counted in ClinVar's aggregate classification.

NM_000104.4(CYP1B1):c.1347T>C (p.Asp449=)

Genes: CYP1B1 (cytochrome P450 family 1 subfamily B member 1; minus strand), LOC128772254 (melanoma risk locus-associated MPRA allelic enhancer 2:38298139; plus strand). Cytogenetic location: 2p22.2.
Variant type: single nucleotide variant.
Coding change: c.1347T>C on transcript NM_000104.4 (MANE Select); coding-DNA position 1347, T replaced by C.
Protein change: p.Asp449=; no amino-acid change (aspartic acid 449 retained).
Molecular consequence: synonymous variant.
Genome position (GRCh38, 1-based): chr2:38,071,007, A>G on the plus strand (T>C on the coding strand, the complement: CYP1B1 is on the minus strand). VCF-style: chr2-38071007-A-G. GRCh37 (hg19) VCF-style: chr2-38298150-A-G.
Other names: NM_000104.4(CYP1B1):c.1347T>C; p.Asp449=.
Identifiers: ClinVar variation 166970 (VCV000166970.31), dbSNP rs1056837, ClinGen allele CA179947.